The following is an entry in ClinVar:

ClinVar aggregate classification (germline): Pathogenic/Likely pathogenic. Review status: criteria provided, multiple submitters, no conflicts (2 of 4 stars). 8 submissions from 8 submitters: Pathogenic (2); Likely pathogenic (4). 2 of the submissions do not count toward it. Last evaluated 2025-12-07.

Conditions:
PMM2-congenital disorder of glycosylation. Also called: JAEKEN SYNDROME; Congenital disorder of glycosylation, type Ia; PHOSPHOMANNOMUTASE 2 DEFICIENCY; CARBOHYDRATE-DEFICIENT GLYCOPROTEIN SYNDROME, TYPE Ia; CDG Ia; PMM2-CDG. Identifiers: Orphanet 79318, MedGen C0349653, MONDO:0008907, OMIM 212065.

Allele frequency attached by ClinVar (database versions not stated): gnomAD exomes 0.00001; gnomAD 0.00003 and 0.00004; TOPMed 0.00003.
gnomAD v4.1: 10 of 985,270 alleles (0.001%); highest among the groups gnomAD compares: Admixed American, 0.0061%; no homozygotes.

Submissions (8):

Labcorp Genetics (formerly Invitae), Labcorp
Classification: Likely pathogenic for PMM2-congenital disorder of glycosylation. Last evaluated: 2025-12-07. Review status: criteria provided, single submitter. Criteria: Invitae Variant Classification Sherloc (09022015). Collection method: clinical testing. Allele origin: germline.
Comment: This sequence change falls in intron 7 of the PMM2 gene. It does not directly change the encoded amino acid sequence of the PMM2 protein. RNA analysis indicates that this variant induces altered splicing and likely results in the gain of 41 amino acid residue(s), but is expected to preserve the integrity of the reading-frame. This variant is not present in population databases (gnomAD no frequency). This variant has been observed in individual(s) with congenital disorder of glycosylation type 1a (PMID: 17307006, 33643843, 37224763, 38917675). In at least one individual the data is consistent with being in trans (on the opposite chromosome) from a pathogenic variant. This variant is also known as c.639–1479C>T. ClinVar contains an entry for this variant (Variation ID: 550704). Studies have shown that this variant results in the activation of a cryptic splice site in intron 7 (PMID: 19235233). In summary, the currently available evidence indicates that the variant is pathogenic, but additional data are needed to prove that conclusively. Therefore, this variant has been classified as Likely Pathogenic.

Natera, Inc.
Classification: Likely pathogenic for Congenital disorder of glycosylation type 1a. Last evaluated: 2025-11-05. Review status: criteria provided, single submitter. Criteria: Natera Variant Classification Schema (03/2026). Collection method: clinical testing. Allele origin: germline.
Comment: The c.640-15479C>T variant in PMM2 is an intronic variant located outside the canonical splice sites. This variant is rare in the general population with a frequency below the threshold expected for the associated phenotype(s). This variant has been observed in one or more individuals affected with the associated recessive disease, as either homozygous or compound heterozygous with a second variant (PMID: 38917675, 33643843, 17307006). Functional studies show that this variant may disrupt protein function (PMID: 19235233, 17307006). Given the available evidence, this variant is classified as Likely Pathogenic.

Revvity Omics, Revvity
Classification: Pathogenic for PMM2-congenital disorder of glycosylation. Last evaluated: 2025-06-17. Review status: criteria provided, single submitter. Criteria: ACMG Guidelines, 2015. Collection method: clinical testing. Allele origin: germline.

Women's Health and Genetics/Laboratory Corporation of America, LabCorp
Classification: Likely pathogenic for PMM2-congenital disorder of glycosylation. Last evaluated: 2025-04-30. Review status: criteria provided, single submitter. Criteria: LabCorp Variant Classification Summary - May 2015. Collection method: clinical testing. Allele origin: germline.
Comment: Variant summary: PMM2 c.640-15479C>T is located at a position not widely known to affect splicing. Several computational tools predict a significant impact on normal splicing: Three predict the variant creates a 5 donor site. One predict the variant no significant impact on splicing. Functional studies have shown the variant to result in the creation of a pseudoexon, an additional 123 bp between exon 7 and 8 (Schollen_2007, Vega_2008). The variant was absent in 31398 control chromosomes. c.640-15479C>T has been reported in the literature in individuals affected with Congenital Disorder Of Glycosylation Type 1a (Schollen_2007, Lipinski_2021, Zemet_2024). These data indicate that the variant may be associated with disease. The following publications have been ascertained in the context of this evaluation (PMID: 33643843, 17307006, 19235233, 38917675). ClinVar contains an entry for this variant (Variation ID: 550704). Based on the evidence outlined above, the variant was classified as likely pathogenic.

Fulgent Genetics
Classification: Pathogenic for PMM2-congenital disorder of glycosylation. Last evaluated: 2024-04-05. Review status: criteria provided, single submitter. Criteria: ACMG Guidelines, 2015. Collection method: clinical testing. Allele origin: germline.

GeneDx
Classification: Likely pathogenic. Last evaluated: 2023-09-19. Review status: criteria provided, single submitter. Criteria: GeneDx Variant Classification Process June 2021. Collection method: clinical testing. Allele origin: germline. Affected: yes.
Comment: Published functional studies demonstrate a damaging effect on gene splicing causing an in-frame insertion of a pseudoexon (Schollen et al., 2007; Vega et al., 2009); No data available from control populations to assess the frequency of this variant; This variant is associated with the following publications: (PMID: 19235233, 33643843, 17307006, 19823873, 18571450)

Counsyl
Classification: Likely pathogenic for PMM2-congenital disorder of glycosylation. Last evaluated: 2017-02-14. Review status: no assertion criteria provided. Collection method: clinical testing. Allele origin: unknown. Not counted in ClinVar's aggregate classification.

OMIM
Classification: Pathogenic for CONGENITAL DISORDER OF GLYCOSYLATION, TYPE Ia. Last evaluated: 2009-05-01. Review status: no assertion criteria provided. Collection method: literature only. Allele origin: germline. Not counted in ClinVar's aggregate classification.

Literature cited by the submitters: PubMed 17307006 (cited by 5 submitters); PubMed 33643843 (cited by 3 submitters); PubMed 37224763 (cited by Labcorp Genetics (formerly Invitae), Labcorp); PubMed 38917675 (cited by 3 submitters); PubMed 19235233 (cited by 5 submitters); PubMed 18571450 (cited by Counsyl); PubMed 26629787 (cited by Counsyl).

NM_000303.3(PMM2):c.640-15479C>T

Gene: PMM2 (phosphomannomutase 2; plus strand). Cytogenetic location: 16p13.2.
Variant type: single nucleotide variant.
Coding change: c.640-15479C>T on transcript NM_000303.3 (MANE Select); 15479 bases into the intron before coding-DNA position 640, C replaced by T.
Molecular consequence: intron variant.
Genome position (GRCh38, 1-based): chr16:8,832,245, C>T. VCF-style: chr16-8832245-C-T. GRCh37 (hg19) VCF-style: chr16-8926102-C-T.
Other names: IVS7, C-T.
Identifiers: ClinVar variation 550704 (VCV000550704.25), dbSNP rs1258107584, ClinGen allele CA658823867.